The following is an entry in ClinVar:

ClinVar aggregate classification (germline): Uncertain significance (1 of 4 stars; one submission).

Conditions:
Hereditary cancer-predisposing syndrome. Also called: Hereditary Cancer Syndrome; Hereditary neoplastic syndrome; Tumor predisposition; Neoplastic Syndromes, Hereditary. Identifiers: Orphanet 140162, MedGen C0027672, MeSH D009386, MONDO:0015356.

Submission:

Ambry Genetics
Classification: Uncertain significance for Hereditary cancer-predisposing syndrome. Last evaluated: 2024-09-18. Review status: criteria provided, single submitter. Criteria: Ambry Variant Classification Scheme 2023. Collection method: clinical testing. Allele origin: germline.
Comment: The p.D5E variant (also known as c.15T>G), located in coding exon 1 of the MAX gene, results from a T to G substitution at nucleotide position 15. The aspartic acid at codon 5 is replaced by glutamic acid, an amino acid with highly similar properties. This amino acid position is highly conserved in available vertebrate species. In addition, the in silico prediction for this alteration is inconclusive. Based on the available evidence, the clinical significance of this variant remains unclear.

NM_002382.5(MAX):c.15T>G (p.Asp5Glu)

Genes: MAX (MYC associated transcriptional regulator X; minus strand), LOC130055850 (ATAC-STARR-seq lymphoblastoid silent region 5847; plus strand). Cytogenetic location: 14q23.3.
Variant type: single nucleotide variant.
Coding change: c.15T>G on transcript NM_002382.5 (MANE Select); coding-DNA position 15, T replaced by G.
Protein change: p.Asp5Glu; replaces aspartic acid 5 with glutamic acid.
Molecular consequence: missense variant. On other transcripts: 5 prime UTR variant (2), intron variant (2).
Genome position (GRCh38, 1-based): chr14:65,102,325, A>C on the plus strand (T>G on the coding strand, the complement: MAX is on the minus strand). VCF-style: chr14-65102325-A-C. GRCh37 (hg19) VCF-style: chr14-65569043-A-C.
Other names: c.15T>G, p.Asp5Glu (NM_001271068.2, NM_001271069.2, NM_001407094.1 and 18 more transcripts); c.-260T>G (NM_001320415.2); c.-233T>G (NM_001407107.1); c.-305+184T>G (NM_001407112.1); c.-239+184T>G (NM_001407106.1); short protein forms D5E.
Identifiers: ClinVar variation 3543697 (VCV003543697.1).